The following is an entry in ClinVar:

NM_001211.6(BUB1B):c.3026T>G (p.Val1009Gly)

Genes: BUB1B (BUB1 mitotic checkpoint serine/threonine kinase B; plus strand), BUB1B-PAK6 (BUB1B-PAK6 readthrough; plus strand). Cytogenetic location: 15q15.1.
Variant type: single nucleotide variant.
Coding change: c.3026T>G on transcript NM_001211.6 (MANE Select); coding-DNA position 3026, T replaced by G.
Protein change: p.Val1009Gly; replaces valine 1009 with glycine.
Molecular consequence: missense variant. On other transcripts: intron variant (2).
Genome position (GRCh38, 1-based): chr15:40,220,632, T>G. VCF-style: chr15-40220632-T-G. GRCh37 (hg19) VCF-style: chr15-40512833-T-G.
Other names: c.-201+2965T>G (NM_001128628.3); c.-118+2965T>G (NM_001128629.3); short protein forms V1009G.
Identifiers: ClinVar variation 3221419 (VCV003221419.1), dbSNP rs758666856, ClinGen allele CA7476185.

ClinVar aggregate classification (germline): Uncertain significance (1 of 4 stars; one submission).

Conditions:
Inborn genetic diseases. Identifiers: MedGen C0950123, MeSH D030342.

Allele frequency attached by ClinVar (database versions not stated): gnomAD exomes below 0.00001; ExAC 0.00001.
gnomAD v4.1: 1 of 1,614,210 alleles (0.000062%); highest among the groups gnomAD compares: Non-Finnish European, 0.000085%; no homozygotes.

Submission:

Ambry Genetics
Classification: Uncertain significance for Inborn genetic diseases. Last evaluated: 2023-12-07. Review status: criteria provided, single submitter. Criteria: Ambry Variant Classification Scheme 2023. Collection method: clinical testing. Allele origin: germline.
Comment: The p.V1009G variant (also known as c.3026T>G), located in coding exon 23 of the BUB1B gene, results from a T to G substitution at nucleotide position 3026. The valine at codon 1009 is replaced by glycine, an amino acid with dissimilar properties. This amino acid position is conserved. In addition, this alteration is predicted to be tolerated by in silico analysis. Since supporting evidence is limited at this time, the clinical significance of this alteration remains unclear.